The following is an entry in ClinVar:

NM_000038.6(APC):c.645+2702C>A

Gene: APC (APC regulator of WNT signaling pathway; plus strand). Cytogenetic location: 5q22.2.
Variant type: single nucleotide variant.
Coding change: c.645+2702C>A on transcript NM_000038.6 (MANE Select); 2702 bases into the intron after coding-DNA position 645, C replaced by A.
Molecular consequence: intron variant.
Genome position (GRCh38, 1-based): chr5:112,783,605, C>A. VCF-style: chr5-112783605-C-A. GRCh37 (hg19) VCF-style: chr5-112119302-C-A.
Other names: c.645+2702C>A (NM_001354895.2, NM_001127510.3, NM_001354896.2 and 2 more transcripts); c.675+2702C>A (NM_001354897.2, NM_001354902.2, NM_001127511.3); c.570+2702C>A (NM_001354898.2, NM_001354904.2); c.-391+2702C>A (NM_001354906.2); c.468+2702C>A (NM_001354900.2, NM_001354901.2, NM_001354905.2).
Identifiers: ClinVar variation 82953 (VCV000082953.2), dbSNP rs75656513, ClinGen allele CA011323.

ClinVar aggregate classification (germline): other (0 of 4 stars; one submission).

Conditions:
Familial colorectal cancer. Identifiers: MedGen CN280943, MONDO:0023113. Disease mechanism: loss of function.

Submission:

Systems Biology Platform Zhejiang California International NanoSystems Institute
Classification: other for Familial colorectal cancer. Review status: no assertion criteria provided. Collection method: not provided. Allele origin: unknown.
ClinVar note: Converted during submission from cancer to other.